The following is an entry in ClinVar:

ClinVar aggregate classification (germline): Uncertain significance (1 of 4 stars; one submission).

Submission:

GeneDx
Classification: Uncertain significance. Last evaluated: 2023-08-11. Review status: criteria provided, single submitter. Criteria: GeneDx Variant Classification Process June 2021. Collection method: clinical testing. Allele origin: germline. Affected: yes.
Comment: Not observed at significant frequency in large population cohorts (gnomAD); In silico analysis supports that this missense variant has a deleterious effect on protein structure/function; Has not been previously published as pathogenic or benign to our knowledge

NM_002739.5(PRKCG):c.1595A>G (p.Tyr532Cys)

Gene: PRKCG (protein kinase C gamma; plus strand). Cytogenetic location: 19q13.42.
Variant type: single nucleotide variant.
Coding change: c.1595A>G on transcript NM_002739.5 (MANE Select); coding-DNA position 1595, A replaced by G.
Protein change: p.Tyr532Cys; replaces tyrosine 532 with cysteine.
Molecular consequence: missense variant.
Genome position (GRCh38, 1-based): chr19:53,903,092, A>G. VCF-style: chr19-53903092-A-G. GRCh37 (hg19) VCF-style: chr19-54406346-A-G.
Other names: c.1595A>G, p.Tyr532Cys (NM_001316329.2); short protein forms Y532C.
Identifiers: ClinVar variation 2575709 (VCV002575709.1), dbSNP rs2514579577, ClinGen allele CA407419583.